The following is an entry in ClinVar:

ClinVar aggregate classification (germline): Likely benign (0 of 4 stars; one submission).

Conditions:
MYOM2-related disorder. Also called: MYOM2-related condition.

Allele frequency attached by ClinVar (database versions not stated): 1000 Genomes Project 0.00020; ESP Exome Variant Server 0.00023; 1000 Genomes Project 30x 0.00031; gnomAD 0.00040; gnomAD exomes 0.00045; ExAC 0.00063.
gnomAD v4.1: 719 of 1,614,076 alleles (0.045%); highest among the groups gnomAD compares: Non-Finnish European, 0.042%; no homozygotes.

Submission:

PreventionGenetics, part of Exact Sciences
Classification: Likely benign for MYOM2-related condition. Last evaluated: 2019-06-13. Review status: no assertion criteria provided. Collection method: clinical testing. Allele origin: germline.
Comment: This variant is classified as likely benign based on ACMG/AMP sequence variant interpretation guidelines (Richards et al. 2015 PMID: 25741868, with internal and published modifications).

NM_003970.4(MYOM2):c.1398C>G (p.Ser466Arg)

Gene: MYOM2 (myomesin 2; plus strand). Cytogenetic location: 8p23.3.
Variant type: single nucleotide variant.
Coding change: c.1398C>G on transcript NM_003970.4 (MANE Select); coding-DNA position 1398, C replaced by G.
Protein change: p.Ser466Arg; replaces serine 466 with arginine.
Molecular consequence: missense variant.
Genome position (GRCh38, 1-based): chr8:2,078,869, C>G. VCF-style: chr8-2078869-C-G. GRCh37 (hg19) VCF-style: chr8-2026950-C-G.
Other names: short protein forms S466R.
Identifiers: ClinVar variation 3034385 (VCV003034385.2), dbSNP rs191647850, ClinGen allele CA170450408.
Genomic context (GRCh38, chr8:2,078,869, plus strand): 5'-GCTTTTTGAAGGAAGGTCTTACATATTCCGAGTGAGGGCAGTGAACAGTGCGGGCATCAG[C>G]CGACCCTCCAGGGTCTCTGATGCGGTGGCTGCACTTGACCCCTTGGACCTCAGAAGGTTA-3'
Protein context (NP_003961.3, residues 456-476): RVRAVNSAGI[Ser466Arg]RPSRVSDAVA